The following is an entry in ClinVar:

NM_001384900.1(SEMA3D):c.1400T>C (p.Met467Thr)

Gene: SEMA3D (semaphorin 3D; minus strand). Cytogenetic location: 7q21.11.
Variant type: single nucleotide variant.
Coding change: c.1400T>C on transcript NM_001384900.1 (MANE Select); coding-DNA position 1400, T replaced by C.
Protein change: p.Met467Thr; replaces methionine 467 with threonine.
Molecular consequence: missense variant.
Genome position (GRCh38, 1-based): chr7:85,022,405, A>G on the plus strand (T>C on the coding strand, the complement: SEMA3D is on the minus strand). VCF-style: chr7-85022405-A-G. GRCh37 (hg19) VCF-style: chr7-84651721-A-G.
Other names: c.1400T>C, p.Met467Thr (NM_001384901.1, NM_001384902.1, NM_001384903.1 and 1 more transcripts); short protein forms M467T.
Identifiers: ClinVar variation 3355533 (VCV003355533.1).

ClinVar aggregate classification (germline): Uncertain significance (0 of 4 stars; one submission).

Conditions:
SEMA3D-related disorder. Also called: SEMA3D-related condition.

gnomAD v4.1: 2 of 1,611,082 alleles (0.00012%); highest among the groups gnomAD compares: African/African-American, 0.0027%; no homozygotes.

Submission:

PreventionGenetics, part of Exact Sciences
Classification: Uncertain significance for SEMA3D-related condition. Last evaluated: 2023-12-05. Review status: no assertion criteria provided. Collection method: clinical testing. Allele origin: germline.
Comment: The SEMA3D c.1400T>C variant is predicted to result in the amino acid substitution p.Met467Thr. To our knowledge, this variant has not been reported in the literature or in a large population database, indicating this variant is rare. At this time, the clinical significance of this variant is uncertain due to the absence of conclusive functional and genetic evidence.